The following is an entry in ClinVar:

NM_003072.5(SMARCA4):c.3976G>C (p.Glu1326Gln)

Gene: SMARCA4 (SWI/SNF related BAF chromatin remodeling complex subunit ATPase 4; plus strand). Cytogenetic location: 19p13.2.
Variant type: single nucleotide variant.
Coding change: c.3976G>C on transcript NM_003072.5 (MANE Select); coding-DNA position 3976, G replaced by C.
Protein change: p.Glu1326Gln; replaces glutamic acid 1326 with glutamine.
Molecular consequence: missense variant. On other transcripts: non-coding transcript variant (1).
Genome position (GRCh38, 1-based): chr19:11,034,938, G>C. VCF-style: chr19-11034938-G-C. GRCh37 (hg19) VCF-style: chr19-11145614-G-C.
Other names: c.3976G>C (NM_001128849.1); c.3976G>C, p.Glu1326Gln (NM_001128844.3, NM_001128849.3, NM_001387283.1); c.3877G>C, p.Glu1293Gln (NM_001128845.2, NM_001128846.2, NM_001128847.4 and 3 more transcripts); short protein forms E1293Q, E1326Q.
Identifiers: ClinVar variation 4940668 (VCV004940668.2).

ClinVar aggregate classification (germline): Uncertain significance. Review status: criteria provided, multiple submitters, no conflicts (2 of 4 stars). 2 submissions from 2 submitters: Uncertain significance (2). Last evaluated 2026-07-06.

Conditions:
Hereditary cancer-predisposing syndrome. Also called: Neoplastic Syndromes, Hereditary; Tumor predisposition; Hereditary Cancer Syndrome; Hereditary neoplastic syndrome. Identifiers: Orphanet 140162, MedGen C0027672, MeSH D009386, MONDO:0015356.

gnomAD v4.1: 2 of 1,580,918 alleles (0.00013%); no homozygotes.

Submissions (2):

Ambry Genetics
Classification: Uncertain significance for Hereditary cancer-predisposing syndrome. Last evaluated: 2026-07-06. Review status: criteria provided, single submitter. Criteria: Ambry Variant Classification Scheme 2023. Collection method: clinical testing. Allele origin: germline.
Comment: The p.E1326Q variant (also known as c.3976G>C), located in coding exon 28 of the SMARCA4 gene, results from a G to C substitution at nucleotide position 3976. The glutamic acid at codon 1326 is replaced by glutamine, an amino acid with highly similar properties. This amino acid position is conserved. In addition, the in silico prediction for this alteration is inconclusive. Based on the available evidence, the clinical significance of this variant remains unclear.

Blueprint Genetics
Classification: Uncertain significance. Last evaluated: 2022-02-15. Review status: criteria provided, single submitter. Criteria: ACMG Guidelines, 2015. Collection method: clinical testing. Allele origin: germline.